The following is an entry in ClinVar:

NC_000008.11:g.(?_86739645)_(86743637_?)del

Gene: CNGB3 (cyclic nucleotide gated channel subunit beta 3; minus strand). Cytogenetic location: 8q21.3.
Variant type: Deletion.
Identifiers: ClinVar variation 832600 (VCV000832600.4).

ClinVar aggregate classification (germline): Pathogenic (1 of 4 stars; one submission).

Submission:

Labcorp Genetics (formerly Invitae), Labcorp
Classification: Pathogenic. Last evaluated: 2020-06-24. Review status: criteria provided, single submitter. Criteria: Invitae Variant Classification Sherloc (09022015). Collection method: clinical testing. Allele origin: germline.
Comment: This variant is a gross deletion of the genomic region encompassing exons 1-2 of the CNGB3 gene, which includes the initiator codon. The 5' end of this event is unknown as it extends beyond the assayed region for this gene and therefore may encompass additional genes. The 3' boundary is likely confined to intron 2 of the CNGB3 gene. This is expected to result in an absent or disrupted protein product. This variant has not been reported in the literature in individuals with CNGB3-related conditions. Loss-of-function variants in CNGB3 are known to be pathogenic (PMID: 28795510). For these reasons, this variant has been classified as Pathogenic.

Literature cited by the submitters: PubMed 28795510.